The following is an entry in ClinVar:

ClinVar aggregate classification (germline): Uncertain significance (1 of 4 stars; one submission).

Submission:

Ambry Genetics
Classification: Uncertain significance. Last evaluated: 2026-02-18. Review status: criteria provided, single submitter. Criteria: Ambry Variant Classification Scheme 2023. Collection method: clinical testing. Allele origin: germline.
Comment: The p.Q519E variant (also known as c.1555C>G), located in coding exon 13 of the GEN1 gene, results from a C to G substitution at nucleotide position 1555. The glutamine at codon 519 is replaced by glutamic acid, an amino acid with highly similar properties. This amino acid position is conserved. In addition, this alteration is predicted to be tolerated by in silico analysis. Based on the available evidence, the clinical significance of this variant remains unclear.

NM_001130009.3(GEN1):c.1555C>G (p.Gln519Glu)

Gene: GEN1 (GEN1 structure-specific endonuclease; plus strand). Cytogenetic location: 2p24.2.
Variant type: single nucleotide variant.
Coding change: c.1555C>G on transcript NM_001130009.3 (MANE Select); coding-DNA position 1555, C replaced by G.
Protein change: p.Gln519Glu; replaces glutamine 519 with glutamic acid.
Molecular consequence: missense variant.
Genome position (GRCh38, 1-based): chr2:17,780,767, C>G. VCF-style: chr2-17780767-C-G. GRCh37 (hg19) VCF-style: chr2-17962034-C-G.
Other names: c.1555C>G, p.Gln519Glu (NM_182625.5); short protein forms Q519E.
Identifiers: ClinVar variation 4844983 (VCV004844983.1).